The following is an entry in ClinVar:

ClinVar aggregate classification (germline): Likely benign (1 of 4 stars; one submission).

Allele frequency attached by ClinVar (database versions not stated): 1000 Genomes Project 0.00140; 1000 Genomes Project 30x 0.00203; ExAC 0.03125.

Submission:

CeGaT Center for Human Genetics Tuebingen
Classification: Likely benign. Last evaluated: 2023-03-01. Review status: criteria provided, single submitter. Criteria: CeGaT Center For Human Genetics Tuebingen Variant Classification Criteria Version 2. Collection method: clinical testing. Allele origin: germline. Affected: yes. Observed: 1 variant allele.
Comment: ZBED3: BS2

NM_032367.4(ZBED3):c.536C>G (p.Ala179Gly)

Gene: ZBED3 (zinc finger BED-type containing 3; minus strand). Cytogenetic location: 5q13.3.
Variant type: single nucleotide variant.
Coding change: c.536C>G on transcript NM_032367.4 (MANE Select); coding-DNA position 536, C replaced by G.
Protein change: p.Ala179Gly; replaces alanine 179 with glycine.
Molecular consequence: missense variant.
Genome position (GRCh38, 1-based): chr5:77,077,343, G>C on the plus strand (C>G on the coding strand, the complement: ZBED3 is on the minus strand). VCF-style: chr5-77077343-G-C. GRCh37 (hg19) VCF-style: chr5-76373168-G-C.
Other names: c.536C>G, p.Ala179Gly (NM_001329564.2); short protein forms A179G.
Identifiers: ClinVar variation 2655548 (VCV002655548.24), dbSNP rs531117283, ClinGen allele CA3314721.
Genomic context (GRCh38, chr5:77,077,343, plus strand): 5'-ACATCCCGCAGCCGCGCCTGCAGCGCCTCCCGCTCGGCCTGCAGTTCCCGGCGCGCCTGG[G>C]CCGCGGCGCGCTCTTCCTCCTGCAGCGCCCTCCGCCTCCGCTCCAGGGCGCGCTCGCCCT-3'
Protein context (NP_115743.1, residues 169-189): RALQEEERAA[Ala179Gly]QARRELQAER